The following is an entry in ClinVar:

NM_000435.3(NOTCH3):c.3913C>T (p.Gln1305Ter)

Gene: NOTCH3 (notch receptor 3; minus strand). Cytogenetic location: 19p13.12.
Variant type: single nucleotide variant.
Coding change: c.3913C>T on transcript NM_000435.3 (MANE Select); coding-DNA position 3913, C replaced by T.
Protein change: p.Gln1305Ter; replaces glutamine 1305 with a stop codon.
Molecular consequence: nonsense.
Genome position (GRCh38, 1-based): chr19:15,178,015, G>A on the plus strand (C>T on the coding strand, the complement: NOTCH3 is on the minus strand). VCF-style: chr19-15178015-G-A. GRCh37 (hg19) VCF-style: chr19-15288826-G-A.
Other names: short protein forms Q1305*.
Identifiers: ClinVar variation 3253249 (VCV003253249.1), dbSNP rs2512638147.

ClinVar aggregate classification (germline): Uncertain significance (1 of 4 stars; one submission).

Submission:

GeneDx
Classification: Uncertain significance. Last evaluated: 2023-06-18. Review status: criteria provided, single submitter. Criteria: GeneDx Variant Classification Process June 2021. Collection method: clinical testing. Allele origin: germline. Affected: yes.
Comment: Not observed at significant frequency in large population cohorts (gnomAD); Nonsense variant predicted to result in protein truncation or nonsense mediated decay in a gene or region of a gene for which loss of function is not a well-established mechanism of disease; Has not been previously published as pathogenic or benign to our knowledge